The following is an entry in ClinVar:

ClinVar aggregate classification (germline): Uncertain significance (1 of 4 stars; one submission).

Conditions:
Aortic valve disease 2 (AOVD2). Identifiers: MedGen C3542024, MONDO:0013902, OMIM 614823.

Allele frequency attached by ClinVar (database versions not stated): gnomAD exomes below 0.00001; TOPMed 0.00001.
gnomAD v4.1: 1 of 1,614,176 alleles (0.000062%); highest among the groups gnomAD compares: Non-Finnish European, 0.000085%; no homozygotes.

Submission:

Labcorp Genetics (formerly Invitae), Labcorp
Classification: Uncertain significance for Aortic valve disease 2. Last evaluated: 2023-10-10. Review status: criteria provided, single submitter. Criteria: Invitae Variant Classification Sherloc (09022015). Collection method: clinical testing. Allele origin: germline.
Comment: This sequence change replaces proline, which is neutral and non-polar, with serine, which is neutral and polar, at codon 484 of the TBX5 protein (p.Pro484Ser). This variant is present in population databases (no rsID available, gnomAD 0.0009%). This variant has not been reported in the literature in individuals affected with TBX5-related conditions. Advanced modeling of protein sequence and biophysical properties (such as structural, functional, and spatial information, amino acid conservation, physicochemical variation, residue mobility, and thermodynamic stability) performed at Invitae indicates that this missense variant is not expected to disrupt TBX5 protein function. In summary, the available evidence is currently insufficient to determine the role of this variant in disease. Therefore, it has been classified as a Variant of Uncertain Significance.

NM_181486.4(TBX5):c.1450C>T (p.Pro484Ser)

Gene: TBX5 (T-box transcription factor 5; minus strand). Cytogenetic location: 12q24.21.
Variant type: single nucleotide variant.
Coding change: c.1450C>T on transcript NM_181486.4 (MANE Select); coding-DNA position 1450, C replaced by T.
Protein change: p.Pro484Ser; replaces proline 484 with serine.
Molecular consequence: missense variant.
Genome position (GRCh38, 1-based): chr12:114,355,639, G>A on the plus strand (C>T on the coding strand, the complement: TBX5 is on the minus strand). VCF-style: chr12-114355639-G-A. GRCh37 (hg19) VCF-style: chr12-114793444-G-A.
Other names: c.1450C>T, p.Pro484Ser (NM_000192.3); c.1300C>T, p.Pro434Ser (NM_080717.4); short protein forms P484S, P434S.
Identifiers: ClinVar variation 2863478 (VCV002863478.3), dbSNP rs1015382648, ClinGen allele CA244262851.